The following is an entry in ClinVar:

NM_183381.3(RNF13):c.145G>A (p.Asp49Asn)

Gene: RNF13 (ring finger protein 13; plus strand). Cytogenetic location: 3q25.1.
Variant type: single nucleotide variant.
Coding change: c.145G>A on transcript NM_183381.3 (MANE Select); coding-DNA position 145, G replaced by A.
Protein change: p.Asp49Asn; replaces aspartic acid 49 with asparagine.
Molecular consequence: missense variant. On other transcripts: 5 prime UTR variant (6), non-coding transcript variant (1).
Genome position (GRCh38, 1-based): chr3:149,852,546, G>A. VCF-style: chr3-149852546-G-A. GRCh37 (hg19) VCF-style: chr3-149570333-G-A.
Other names: c.145G>A, p.Asp49Asn (NM_001378285.1, NM_001378286.1, NM_007282.4); c.-223G>A (NM_001378287.1, NM_001378288.1, NM_001378289.1 and 2 more transcripts); c.-249G>A (NM_001378291.1); short protein forms D49N.
Identifiers: ClinVar variation 3047514 (VCV003047514.2), dbSNP rs2473204630, ClinGen allele CA355008829.

ClinVar aggregate classification (germline): Uncertain significance (0 of 4 stars; one submission).

Conditions:
RNF13-related disorder. Also called: RNF13-related condition.

Submission:

PreventionGenetics, part of Exact Sciences
Classification: Uncertain significance for RNF13-related condition. Last evaluated: 2024-01-04. Review status: no assertion criteria provided. Collection method: clinical testing. Allele origin: germline.
Comment: The RNF13 c.145G>A variant is predicted to result in the amino acid substitution p.Asp49Asn. To our knowledge, this variant has not been reported in the literature or in a large population database, indicating this variant is rare. At this time, the clinical significance of this variant is uncertain due to the absence of conclusive functional and genetic evidence.